The following is an entry in ClinVar:

ClinVar aggregate classification (germline): Pathogenic (1 of 4 stars; one submission).

Conditions:
Deafness-lymphedema-leukemia syndrome. Also called: Emberger syndrome; Lymphedema, primary, with myelodysplasia. Identifiers: Orphanet 3226, MedGen C3279664, MONDO:0013540, OMIM 614038.
GATA2 deficiency with susceptibility to MDS/AML. Identifiers: MedGen CN300066, MONDO:0042982.

Submission:

Molecular Pathology Research Laboratory, SA Pathology
Classification: Pathogenic for GATA2 deficiency with susceptibility to MDS/AML; Deafness-lymphedema-leukemia syndrome. Last evaluated: 2021-07-06. Review status: criteria provided, single submitter. Criteria: ACMG Guidelines, 2015. Collection method: curation. Allele origin: unknown. Inheritance: Autosomal dominant inheritance. Affected: yes. Observed: 2 variant alleles.
Comment: PVS1, PS4_Moderate, PM2

Literature cited by the submitters: PubMed 32088370.

NM_032638.5(GATA2):c.1021GCC[1] (p.Ala342del)

Gene: GATA2 (GATA binding protein 2; minus strand). Cytogenetic location: 3q21.3.
Variant type: Microsatellite.
Coding change: c.1021GCC[1] on transcript NM_032638.5 (MANE Select); one copy of the 3-base unit GCC starting at c.1021; the reference has two copies in a row; one copy, 3 bases deleted; also written c.1024_1026del.
Protein change: p.Ala342del; deletes alanine 342.
Molecular consequence: inframe deletion. On other transcripts: intron variant (1).
Genome position (GRCh38, 1-based): chr3:128,481,936-128,481,938, GGC deleted on the plus strand (GCC on the coding strand, the reverse complement: GATA2 is on the minus strand); deleting any 3 consecutive bases within chr3:128,481,936-128,481,941 gives the same sequence; the position shown is the placement nearest the transcript's 3' end. VCF-style (leftmost placement, unchanged base first): chr3-128481935-TGGC-T. GRCh37 (hg19) VCF-style: chr3-128200778-TGGC-T.
Other names: c.1021GCC[1], p.Ala342del (NM_001145661.2); c.1018-36_1018-34del (NM_001145662.1); c.1024_1026del (NM_032638.5); short protein forms A342del.
Identifiers: ClinVar variation 1184216 (VCV001184216.1), dbSNP rs2068635493, ClinGen allele CA2580616529.
Genomic context (GRCh38, chr3:128,481,935, plus strand): 5'-TTCGGCGCCATAAGGTGGTGGTTGTCGTCTGACAATTTGCACAACAGGTGCCGGCTCTTC[TGGC>T]GGCCGACTGGGAGGGCAAGGCAGCGTCAGCAGGCTGGACTCCCACGCCCACCTCGACCCC-3'